The following is an entry in ClinVar:

NM_001199107.2(TBC1D24):c.1002C>T (p.Ala334=)

Gene: TBC1D24 (TBC1 domain family member 24; plus strand). Cytogenetic location: 16p13.3.
Variant type: single nucleotide variant.
Coding change: c.1002C>T on transcript NM_001199107.2 (MANE Select); coding-DNA position 1002, C replaced by T.
Protein change: p.Ala334=; no amino-acid change (alanine 334 retained).
Molecular consequence: synonymous variant.
Genome position (GRCh38, 1-based): chr16:2,498,256, C>T. VCF-style: chr16-2498256-C-T. GRCh37 (hg19) VCF-style: chr16-2548257-C-T.
Other names: p.A328A:GCC>GCT; c.984C>T, p.Ala328= (NM_020705.3).
Identifiers: ClinVar variation 139397 (VCV000139397.68), dbSNP rs184389316, ClinGen allele CA293869.

ClinVar aggregate classification (germline): Benign/Likely benign. Review status: criteria provided, multiple submitters, no conflicts (2 of 4 stars). 11 submissions from 11 submitters: Benign (3); Likely benign (6). 2 of the submissions do not count toward it. Last evaluated 2026-09-01.

Conditions:
Autosomal dominant nonsyndromic hearing loss 65. Also called: Deafness, autosomal dominant 65; TBC1D24-Related Autosomal Dominant Nonsyndromic Hearing Loss (DFNA). Identifiers: Orphanet 90635, MedGen C3892048, MONDO:0014470, OMIM 616044.
Developmental and epileptic encephalopathy, 1 (DEE1). Also called: INFANTILE SPASM SYNDROME, X-LINKED 1; OHTAHARA SYNDROME, X-LINKED; X-linked infantile spasms; West's syndrome; Tonic spasms with clustering, arrest of psychomotor development and hypsarrhythmia on EEG; X-Linked Infantile Spasm Syndrome. Identifiers: MedGen C3463992, MONDO:0010632, OMIM 308350. Disease mechanism: loss of function.
Inborn genetic diseases. Identifiers: MedGen C0950123, MeSH D030342.
Familial infantile myoclonic epilepsy (FIME). Also called: TBC1D24-Related Familial Infantile Myoclonic Epilepsy (FIME); Epilepsy, Myoclonic, Infantile. Identifiers: Orphanet 352582, MedGen C0917800, MONDO:0011506, OMIM 605021.

Allele frequency attached by ClinVar (database versions not stated): 1000 Genomes Project 0.00100; 1000 Genomes Project 30x 0.00125; gnomAD exomes 0.00133; ESP Exome Variant Server 0.00142; gnomAD 0.00154 and 0.00160; ExAC 0.00191; TOPMed 0.00194.
gnomAD v4.1: 3,791 of 1,610,478 alleles (0.24%); highest among the groups gnomAD compares: Non-Finnish European, 0.29%; 8 homozygotes.

Submissions (11):

CeGaT Center for Human Genetics Tuebingen
Classification: Likely benign. Last evaluated: 2026-09-01. Review status: criteria provided, single submitter. Criteria: CeGaT Center For Human Genetics Tuebingen Variant Classification Criteria Version 2. Collection method: clinical testing. Allele origin: germline. Affected: yes. Observed: 28 variant alleles.
Comment: TBC1D24: BS2

Labcorp Genetics (formerly Invitae), Labcorp
Classification: Benign for Developmental and epileptic encephalopathy, 1; Autosomal dominant nonsyndromic hearing loss 65. Last evaluated: 2026-02-03. Review status: criteria provided, single submitter. Criteria: Invitae Variant Classification Sherloc (09022015). Collection method: clinical testing. Allele origin: germline.

Blueprint Genetics
Classification: Likely benign. Last evaluated: 2024-11-19. Review status: criteria provided, single submitter. Criteria: ACMG Guidelines, 2015. Collection method: clinical testing. Allele origin: germline.

Illumina Laboratory Services, Illumina
Classification: Likely benign for Familial infantile myoclonic epilepsy. Last evaluated: 2018-01-12. Review status: criteria provided, single submitter. Criteria: ICSL Variant Classification Criteria 13 December 2019. Collection method: clinical testing. Allele origin: germline.
Comment: This variant was observed in the ICSL laboratory as part of a predisposition screen in an ostensibly healthy population. It had not been previously curated by ICSL or reported in the Human Gene Mutation Database (HGMD: prior to June 1st, 2018), and was therefore a candidate for classification through an automated scoring system. Utilizing variant allele frequency, disease prevalence and penetrance estimates, and inheritance mode, an automated score was calculated to assess if this variant is too frequent to cause the disease. Based on the score and internal cut-off values, a variant classified as likely benign is not then subjected to further curation. The score for this variant resulted in a classification of likely benign for this disease.

Eurofins Ntd Llc (ga)
Classification: Likely benign. Last evaluated: 2017-05-23. Review status: criteria provided, single submitter. Criteria: EGL Classification Definitions 2015. Collection method: clinical testing. Allele origin: germline. Observed: 1 variant allele, 1 heterozygote.

Ambry Genetics
Classification: Likely benign for Inborn genetic diseases. Last evaluated: 2016-08-08. Review status: criteria provided, single submitter. Criteria: Ambry Variant Classification Scheme 2023. Collection method: clinical testing. Allele origin: germline.

Genetic Services Laboratory, University of Chicago
Classification: Likely benign. Last evaluated: 2016-06-27. Review status: criteria provided, single submitter. Criteria: ACMG Guidelines, 2015. Collection method: clinical testing. Allele origin: germline. Affected: no.

Laboratory for Molecular Medicine, Mass General Brigham Personalized Medicine
Classification: Benign. Last evaluated: 2016-05-21. Review status: criteria provided, single submitter. Criteria: LMM Criteria. Collection method: clinical testing. Allele origin: germline. Observed: 3 variant alleles.
Comment: Ala334Ala in exon 4 of TBC1D24: This variant is not expected to have clinical si gnificance because it does not alter an amino acid residue and is not located wi thin the splice consensus sequence. It has been identified in 0.3% (125/42486) o f European chromosomes by the Exome Aggregation Consortium (ExAC; dbSNP rs184389316).

GeneDx
Classification: Benign. Last evaluated: 2013-11-27. Review status: criteria provided, single submitter. Criteria: GeneDx Variant Classification (06012015). Collection method: clinical testing. Allele origin: germline. Affected: yes.
Comment: This variant is considered likely benign or benign based on one or more of the following criteria: it is a conservative change, it occurs at a poorly conserved position in the protein, it is predicted to be benign by multiple in silico algorithms, and/or has population frequency not consistent with disease.

Clinical Genetics DNA and cytogenetics Diagnostics Lab, Erasmus MC, Erasmus Medical Center
Classification: Likely benign. Review status: no assertion criteria provided. Collection method: clinical testing. Allele origin: germline. Affected: yes. Study: VKGL Data-share Consensus. Not counted in ClinVar's aggregate classification.

Diagnostic Laboratory, Department of Genetics, University Medical Center Groningen
Classification: Likely benign. Review status: no assertion criteria provided. Collection method: clinical testing. Allele origin: germline. Affected: yes. Study: VKGL Data-share Consensus. Not counted in ClinVar's aggregate classification.